The following is an entry in ClinVar:

ClinVar aggregate classification (germline): Pathogenic (1 of 4 stars; one submission).

Conditions:
Peroxisome biogenesis disorder. Identifiers: Orphanet 79189, MedGen C1832200, MONDO:0019234. Disease mechanism: loss of function.

Submission:

Myriad Genetics, Inc.
Classification: Pathogenic for Peroxisome biogenesis disorder. Last evaluated: 2025-04-19. Review status: criteria provided, single submitter. Criteria: Myriad Autosomal Dominant, Autosomal Recessive and X-Linked Classification Criteria (2023). Collection method: clinical testing. Allele origin: unknown.
Comment: NM_000466.2(PEX1):c.218delT(V73Gfs*59) is expected to be pathogenic in the context of peroxisome biogenesis disorder type 1. This variant is predicted to lead to an abnormal or absent protein product due to the creation of a premature termination codon in PEX1, a gene where loss-of-function variants are known to be pathogenic. Please note: this variant was assessed in the context of healthy population screening.

NM_000466.3(PEX1):c.218del (p.Val73fs)

Gene: PEX1 (peroxisomal biogenesis factor 1; minus strand). Cytogenetic location: 7q21.2.
Variant type: Deletion.
Coding change: c.218del on transcript NM_000466.3 (MANE Select); coding-DNA position 218, one base deleted (T; older notation c.218delT).
Protein change: p.Val73fs; shifts the reading frame from valine 73.
Molecular consequence: frameshift variant. On other transcripts: 5 prime UTR variant (1).
Genome position (GRCh38, 1-based): chr7:92,522,157, A deleted on the plus strand (T on the coding strand, the reverse complement: PEX1 is on the minus strand). VCF-style (leftmost placement, unchanged base first): chr7-92522156-CA-C. GRCh37 (hg19) VCF-style: chr7-92151470-CA-C.
Other names: c.218del, p.Val73fs (NM_001282677.2); c.-442del (NM_001282678.2); short protein forms V73fs.
Identifiers: ClinVar variation 5014338 (VCV005014338.1).
Genomic context (GRCh38, chr7:92,522,156, plus strand): 5'-GCTTACCTGTCCCCCATTTGAGAGTCCAAGTTTTTGACCAACTTGTCTGTTAATTTCAGC[CA>C]CATTTTCACCTTGATCACTAAAATGCCTGCCTTCCACCCAGCTCAAGAATGCAGGCTGGT-3'